The following is an entry in ClinVar:

NM_000843.4(GRM6):c.1891A>G (p.Ile631Val)

Genes: GRM6 (glutamate metabotropic receptor 6; minus strand), ZNF454 (zinc finger protein 454; plus strand). Cytogenetic location: 5q35.3.
Variant type: single nucleotide variant.
Coding change: c.1891A>G on transcript NM_000843.4 (MANE Select); coding-DNA position 1891, A replaced by G.
Protein change: p.Ile631Val; replaces isoleucine 631 with valine.
Molecular consequence: missense variant.
Genome position (GRCh38, 1-based): chr5:178,986,363, T>C on the plus strand (A>G on the coding strand, the complement: GRM6 is on the minus strand). VCF-style: chr5-178986363-T-C. GRCh37 (hg19) VCF-style: chr5-178413364-T-C.
Other names: short protein forms I631V.
Identifiers: ClinVar variation 1929696 (VCV001929696.5), dbSNP rs2480378045, ClinGen allele CA362426250.

ClinVar aggregate classification (germline): Uncertain significance (1 of 4 stars; one submission).

Submission:

Labcorp Genetics (formerly Invitae), Labcorp
Classification: Uncertain significance. Last evaluated: 2022-03-28. Review status: criteria provided, single submitter. Criteria: Invitae Variant Classification Sherloc (09022015). Collection method: clinical testing. Allele origin: germline.
Comment: This sequence change replaces isoleucine, which is neutral and non-polar, with valine, which is neutral and non-polar, at codon 631 of the GRM6 protein (p.Ile631Val). This variant is not present in population databases (gnomAD no frequency). This variant has not been reported in the literature in individuals affected with GRM6-related conditions. Algorithms developed to predict the effect of missense changes on protein structure and function (SIFT, PolyPhen-2, Align-GVGD) all suggest that this variant is likely to be disruptive. In summary, the available evidence is currently insufficient to determine the role of this variant in disease. Therefore, it has been classified as a Variant of Uncertain Significance.